The following is an entry in ClinVar:

ClinVar aggregate classification (germline): Pathogenic/Likely pathogenic. Review status: criteria provided, multiple submitters, no conflicts (2 of 4 stars). 3 submissions from 3 submitters: Pathogenic (2); Likely pathogenic (1). Last evaluated 2025-06-02.

Conditions:
Hereditary breast ovarian cancer syndrome. Also called: Hereditary breast and ovarian cancer; Breast and ovarian cancer; Hereditary breast and/or ovarian cancer syndrome; BRCA1- and BRCA2-Associated Hereditary Breast and Ovarian Cancer; Hereditary breast and ovarian cancer syndrome (HBOC); Hereditary breast and ovarian cancer syndrome. Identifiers: Orphanet 145, MedGen C0677776, MeSH D061325, MONDO:0003582. Disease mechanism: loss of function.
Hereditary cancer-predisposing syndrome. Also called: Hereditary Cancer Syndrome; Neoplastic Syndromes, Hereditary; Tumor predisposition; Hereditary neoplastic syndrome. Identifiers: Orphanet 140162, MedGen C0027672, MeSH D009386, MONDO:0015356.
Breast-ovarian cancer, familial, susceptibility to, 2 (BROVCA2). Also called: BRCA2 Hereditary Breast and Ovarian Cancer. Identifiers: Orphanet 145, MedGen C2675520, MONDO:0012933, OMIM 612555. Disease mechanism: loss of function.

Submissions (3):

Labcorp Genetics (formerly Invitae), Labcorp
Classification: Pathogenic for Hereditary breast ovarian cancer syndrome. Last evaluated: 2025-06-02. Review status: criteria provided, single submitter. Criteria: Invitae Variant Classification Sherloc (09022015). Collection method: clinical testing. Allele origin: germline.
Comment: This sequence change creates a premature translational stop signal (p.Arg2034Glnfs*4) in the BRCA2 gene. It is expected to result in an absent or disrupted protein product. Loss-of-function variants in BRCA2 are known to be pathogenic (PMID: 20104584). This variant is not present in population databases (gnomAD no frequency). This premature translational stop signal has been observed in individual(s) with esophageal cancer (PMID: 31396961). This variant is also known as c.6100_6106del, p.R2034fs. ClinVar contains an entry for this variant (Variation ID: 3825443). For these reasons, this variant has been classified as Pathogenic.

Ambry Genetics
Classification: Pathogenic for Hereditary cancer-predisposing syndrome. Last evaluated: 2025-02-11. Review status: criteria provided, single submitter. Criteria: Ambry Variant Classification Scheme 2023. Collection method: clinical testing. Allele origin: germline.
Comment: The c.6101_6107delGTACTCC pathogenic mutation, located in coding exon 10 of the BRCA2 gene, results from a deletion of 7 nucleotides at nucleotide positions 6101 to 6107, causing a translational frameshift with a predicted alternate stop codon (p.R2034Qfs*4). This variant is considered to be rare based on population cohorts in the Genome Aggregation Database (gnomAD). This alteration is expected to result in loss of function by premature protein truncation or nonsense-mediated mRNA decay. As such, this alteration is interpreted as a disease-causing mutation.

Juno Genomics, Hangzhou Juno Genomics, Inc
Classification: Likely pathogenic for Breast-ovarian cancer, familial, susceptibility to, 2. Review status: criteria provided, single submitter. Criteria: ACMG Guidelines, 2015. Collection method: clinical testing. Allele origin: germline.
Comment: Absent from controls (or at extremely low frequency if recessive) in Genome Aggregation Database.;Null variant in a gene where loss of function (LOF) is a known mechanism of disease.

Literature cited by the submitters: PubMed 20104584 (cited by Labcorp Genetics (formerly Invitae), Labcorp); PubMed 31396961 (cited by Labcorp Genetics (formerly Invitae), Labcorp).

NM_000059.4(BRCA2):c.6101_6107del (p.Arg2034fs)

Gene: BRCA2 (BRCA2 DNA repair associated; plus strand). Cytogenetic location: 13q13.1.
Variant type: Deletion.
Coding change: c.6101_6107del on transcript NM_000059.4 (MANE Select); coding-DNA positions 6101 to 6107, 7 bases deleted (GTACTCC; older notation c.6101_6107delGTACTCC).
Protein change: p.Arg2034fs; shifts the reading frame from arginine 2034.
Molecular consequence: frameshift variant.
Genome position (GRCh38, 1-based): chr13:32,340,456-32,340,462, GTACTCC deleted; deleting any 7 consecutive bases within chr13:32,340,455-32,340,462 gives the same sequence; the c. name uses the placement nearest the transcript's 3' end. VCF-style (leftmost placement, unchanged base first): chr13-32340454-ACGTACTC-A. GRCh37 (hg19) VCF-style: chr13-32914591-ACGTACTC-A.
Other names: c.6101_6107delGTACTCC (NM_000059.3); short protein forms R2034fs.
Identifiers: ClinVar variation 3825443 (VCV003825443.4).